The following is an entry in ClinVar:

ClinVar aggregate classification (germline): Uncertain significance. Review status: criteria provided, multiple submitters, no conflicts (2 of 4 stars). 2 submissions from 2 submitters: Uncertain significance (2). Last evaluated 2023-03-29.

Conditions:
Arrhythmogenic right ventricular dysplasia 8 (ARVD8). Also called: ARRHYTHMOGENIC RIGHT VENTRICULAR CARDIOMYOPATHY 8; Arrhythmogenic Right Ventricular Dysplasia/Cardiomyopathy 8; ARRHYTHMOGENIC RIGHT VENTRICULAR DYSPLASIA, FAMILIAL, 8. Identifiers: MedGen C1843896, MONDO:0011831, OMIM 607450.
Arrhythmogenic cardiomyopathy with wooly hair and keratoderma. Also called: Carvajal syndrome; PALMOPLANTAR KERATODERMA WITH LEFT VENTRICULAR CARDIOMYOPATHY AND WOOLLY HAIR; Dilated cardiomyopathy with woolly hair and keratoderma; Arrhythmogenic cardiomyopathy with woolly hair and keratoderma. Identifiers: Orphanet 65282, MedGen C1854063, MONDO:0011581, OMIM 605676.
Cardiomyopathy (CMYO). Also called: Cardiomyopathies. Identifiers: Orphanet 167848, MedGen C0878544, MONDO:0004994, HP:0001638. Inheritance: Various modes of inheritance.

gnomAD v4.1: 1 of 1,614,028 alleles (0.000062%); highest among the groups gnomAD compares: Non-Finnish European, 0.000085%; no homozygotes.

Submissions (2):

Labcorp Genetics (formerly Invitae), Labcorp
Classification: Uncertain significance for Arrhythmogenic cardiomyopathy with wooly hair and keratoderma; Arrhythmogenic right ventricular dysplasia 8. Last evaluated: 2023-03-29. Review status: criteria provided, single submitter. Criteria: Invitae Variant Classification Sherloc (09022015). Collection method: clinical testing. Allele origin: germline.
Comment: An algorithm developed to predict the effect of missense changes on protein structure and function (PolyPhen-2) suggests that this variant is likely to be disruptive. In summary, the available evidence is currently insufficient to determine the role of this variant in disease. Therefore, it has been classified as a Variant of Uncertain Significance. ClinVar contains an entry for this variant (Variation ID: 626740). This variant has not been reported in the literature in individuals affected with DSP-related conditions. This variant is present in population databases (no rsID available, gnomAD 0.0009%). This sequence change replaces glutamic acid, which is acidic and polar, with glutamine, which is neutral and polar, at codon 1328 of the DSP protein (p.Glu1328Gln).

CHEO Genetics Diagnostic Laboratory, Children's Hospital of Eastern Ontario
Classification: Uncertain significance for Cardiomyopathy. Last evaluated: 2016-01-19. Review status: criteria provided, single submitter. Criteria: ACMG Guidelines, 2015. Collection method: clinical testing. Allele origin: germline. Study: Canadian Open Genetics Repository.

NM_004415.4(DSP):c.3982G>C (p.Glu1328Gln)

Gene: DSP (desmoplakin; plus strand). Cytogenetic location: 6p24.3.
Variant type: single nucleotide variant.
Coding change: c.3982G>C on transcript NM_004415.4 (MANE Select); coding-DNA position 3982, G replaced by C.
Protein change: p.Glu1328Gln; replaces glutamic acid 1328 with glutamine.
Molecular consequence: missense variant. On other transcripts: intron variant (1).
Genome position (GRCh38, 1-based): chr6:7,580,172, G>C. VCF-style: chr6-7580172-G-C. GRCh37 (hg19) VCF-style: chr6-7580405-G-C.
Other names: c.3982G>C, p.Glu1328Gln (NM_001319034.2); c.3582+400G>C (NM_001008844.3); c.3982G>C (LRG_423t1); short protein forms E1328Q.
Identifiers: ClinVar variation 626740 (VCV000626740.5), dbSNP rs746208168, ClinGen allele CA362685283.